The following is an entry in ClinVar:

ClinVar aggregate classification (germline): Pathogenic/Likely pathogenic. Review status: criteria provided, multiple submitters, no conflicts (2 of 4 stars). 5 submissions from 5 submitters: Pathogenic (4); Likely pathogenic (1). Last evaluated 2025-04-11.

Conditions:
Osteogenesis imperfecta, perinatal lethal (OI2). Also called: OSTEOGENESIS IMPERFECTA, TYPE II; OI, TYPE II; OSTEOGENESIS IMPERFECTA CONGENITA; VROLIK TYPE OF OSTEOGENESIS IMPERFECTA; Osteogenesis imperfecta type 2; Osteogenesis imperfecta, dominant perinatal lethal. Identifiers: Orphanet 216804, MedGen C0268358, MONDO:0008147, OMIM 166210.
Osteogenesis imperfecta type I (OI1). Also called: Classic Non-deforming Osteogenesis Imperfecta with Blue Sclerae; OI, TYPE I; OSTEOGENESIS IMPERFECTA TARDA; OSTEOGENESIS IMPERFECTA WITH BLUE SCLERAE; Osteogenesis imperfecta type 1; Lobstein's Disease. Identifiers: Orphanet 216796, Orphanet 666, MedGen C0023931, MONDO:0008146, OMIM 166200. Disease mechanism: loss of function.
COL1A1-related disorder. Also called: COL1A1- related disease; COL1A1-related condition.
Osteogenesis imperfecta type III (OI3). Also called: Progressively Deforming Osteogenesis Imperfecta; Osteogenesis imperfecta type 3; OI type 3; Osteogenesis imperfecta, progressively deforming with normal sclerae; OI type III. Identifiers: Orphanet 216812, Orphanet 666, MedGen C0268362, MONDO:0009804, OMIM 259420.
Osteogenesis imperfecta with normal sclerae, dominant form (OI4). Also called: OSTEOGENESIS IMPERFECTA, TYPE IV, WITH DENTINOGENESIS IMPERFECTA; Common Variable Osteogenesis Imperfecta with Normal Sclerae; OSTEOGENESIS IMPERFECTA WITH NORMAL SCLERAE; Osteogenesis imperfecta type 4; Osteogenesis Imperfecta Type IV. Identifiers: Orphanet 216820, Orphanet 666, MedGen C0268363, MONDO:0008148, OMIM 166220.

Submissions (5):

Labcorp Genetics (formerly Invitae), Labcorp
Classification: Pathogenic for Osteogenesis imperfecta type I. Last evaluated: 2025-04-11. Review status: criteria provided, single submitter. Criteria: Invitae Variant Classification Sherloc (09022015). Collection method: clinical testing. Allele origin: germline.
Comment: This sequence change replaces glycine, which is neutral and non-polar, with valine, which is neutral and non-polar, at codon 365 of the COL1A1 protein (p.Gly365Val). This variant is not present in population databases (gnomAD no frequency). This missense change has been observed in individuals with clinical features of osteogenesis imperfecta (PMID: 17078022, 31994750, 36352425). ClinVar contains an entry for this variant (Variation ID: 993627). Invitae Evidence Modeling of protein sequence and biophysical properties (such as structural, functional, and spatial information, amino acid conservation, physicochemical variation, residue mobility, and thermodynamic stability) indicates that this missense variant is expected to disrupt COL1A1 protein function with a positive predictive value of 95%. This variant disrupts the triple helix domain of COL1A1. Glycine residues within the Gly-Xaa-Yaa repeats of the triple helix domain are required for the structure and stability of fibrillar collagens (PMID: 7695699, 8218237, 19344236). In COL1A1, variants affecting these glycine residues are significantly enriched in individuals with disease (PMID: 9016532, 17078022) compared to the general population (ExAC). For these reasons, this variant has been classified as Pathogenic.

PreventionGenetics, part of Exact Sciences
Classification: Pathogenic for COL1A1-related condition. Last evaluated: 2023-10-03. Review status: criteria provided, single submitter. Criteria: ACMG Guidelines, 2015. Collection method: clinical testing. Allele origin: germline.
Comment: The COL1A1 c.1094G>T variant is predicted to result in the amino acid substitution p.Gly365Val. This variant was reported to be causative for osteogenesis imperfecta type II and documented de novo in two fetal cases (Table S1, Marini et al. 2007. PubMed ID: 17078022; Han et al. 2020. PubMed ID: 31994750; Bai et al. 2022. PubMed ID: 36352425). The p.Gly365 amino acid is located in the conserved Gly-Xaa-Yaa triple helical domain where substitutions of a glycine are usually pathogenic (Marini et al. 2007. PubMed ID: 17078022). This variant has not been reported in a large population database, indicating this variant is rare. This variant is interpreted as pathogenic.

Division of Medical Genetics, Department of Pediatrics, All India Institute of Medical Sciences, New Delhi
Classification: Likely pathogenic for Osteogenesis imperfecta, perinatal lethal. Last evaluated: 2023-06-17. Review status: criteria provided, single submitter. Criteria: ACMG Guidelines, 2015. Collection method: research. Allele origin: germline. Affected: yes.

Centre of Medical Genetics, University Hospital Muenster
Classification: Pathogenic for Osteogenesis imperfecta type I; Osteogenesis imperfecta, perinatal lethal; Osteogenesis imperfecta type III; Osteogenesis imperfecta with normal sclerae, dominant form. Last evaluated: 2022-03-24. Review status: criteria provided, single submitter. Criteria: ACMG Guidelines, 2015. Collection method: clinical testing. Allele origin: de novo. Affected: yes. Observed: 1 variant allele, 1 heterozygote.
Comment: ACMG categories: PS2,PM1,PM2,PP3,PP5

ARUP Laboratories, Molecular Genetics and Genomics, ARUP Laboratories
Classification: Pathogenic. Last evaluated: 2020-01-28. Review status: criteria provided, single submitter. Criteria: ARUP Molecular Germline Variant Investigation Process. Collection method: clinical testing. Allele origin: germline.
Comment: The COL1A1 c.1094G>T; p.Gly365Val variant (rs66494876) is reported in the literature in at least one individual affected with osteogenesis imperfecta (Marini 2007). This variant is absent from general population databases (Exome Variant Server, Genome Aggregation Database), indicating it is not a common polymorphism. The glycine at codon 365 is highly conserved, and computational analyses (SIFT, PolyPhen-2) predict that this variant is deleterious. This codon is located in a triple helix repeat domain, and glycine substitutions are the most frequent pathogenic alterations in this region (Ben Amor 2011). Additionally, other variants at this codon (c.1093G>A, p.Gly365Ser; c.1094G>C, p.Gly365Ala) have been reported in individuals with osteogenesis imperfecta (Li 2019, Marini 2007). Based on available information, this variant is considered to be pathogenic. References: Ben Amor I et al. Genotype-phenotype correlations in autosomal dominant osteogenesis imperfecta. J Osteoporos. 2011; 2011:540178. Li L et al. Genotypic and phenotypic characterization of Chinese patients with osteogenesis imperfecta. Hum Mutat. 2019 May;40(5):588-600. Marini JC et al. Consortium for osteogenesis imperfecta mutations in the helical domain of type I collagen: regions rich in lethal mutations align with collagen binding sites for integrins and proteoglycans. Hum Mutat. 2007 Mar;28(3):209-21.

Literature cited by the submitters: PubMed 17078022 (cited by Labcorp Genetics (formerly Invitae), Labcorp); PubMed 31994750 (cited by Labcorp Genetics (formerly Invitae), Labcorp); PubMed 36352425 (cited by Labcorp Genetics (formerly Invitae), Labcorp); PubMed 7695699 (cited by Labcorp Genetics (formerly Invitae), Labcorp); PubMed 8218237 (cited by Labcorp Genetics (formerly Invitae), Labcorp); PubMed 19344236 (cited by Labcorp Genetics (formerly Invitae), Labcorp); PubMed 9016532 (cited by Labcorp Genetics (formerly Invitae), Labcorp).

NM_000088.4(COL1A1):c.1094G>T (p.Gly365Val)

Gene: COL1A1 (collagen type I alpha 1 chain; minus strand). Cytogenetic location: 17q21.33.
Variant type: single nucleotide variant.
Coding change: c.1094G>T on transcript NM_000088.4 (MANE Select); coding-DNA position 1094, G replaced by T.
Protein change: p.Gly365Val; replaces glycine 365 with valine.
Molecular consequence: missense variant.
Genome position (GRCh38, 1-based): chr17:50,195,628, C>A on the plus strand (G>T on the coding strand, the complement: COL1A1 is on the minus strand). VCF-style: chr17-50195628-C-A. GRCh37 (hg19) VCF-style: chr17-48272989-C-A.
Other names: c.1094G>T (NM_000088.3); short protein forms G365V.
Identifiers: ClinVar variation 993627 (VCV000993627.12), dbSNP rs66494876, ClinGen allele CA291546893.